The following is an entry in ClinVar:

ClinVar aggregate classification (germline): Pathogenic (1 of 4 stars; one submission).

Conditions:
Developmental and epileptic encephalopathy, 7 (DEE7). Also called: KCNQ2-Related Neonatal-Onset Developmental and Epileptic Encephalopathy (NEO-DEE); KCNQ2-Related Neonatal Epileptic Encephalopathy; Early infantile epileptic encephalopathy 7. Identifiers: Orphanet 439218, MedGen C3150986, MONDO:0013387, OMIM 613720.

Submission:

Department of Human Genetics, Hannover Medical School
Classification: Pathogenic for Developmental and epileptic encephalopathy, 7. Last evaluated: 2025-04-03. Review status: criteria provided, single submitter. Criteria: ACMG Guidelines, 2015. Collection method: clinical testing. Allele origin: germline. Affected: yes.
Comment: ACMG: PS3_Supporting, PM1_Supporting, PM2_Supporting, PM5_Supporting, PM6, PP2, PP3_Strong

NM_172107.4(KCNQ2):c.389A>G (p.Glu130Gly)

Gene: KCNQ2 (potassium voltage-gated channel subfamily Q member 2; minus strand). Cytogenetic location: 20q13.33.
Variant type: single nucleotide variant.
Coding change: c.389A>G on transcript NM_172107.4 (MANE Select); coding-DNA position 389, A replaced by G.
Protein change: p.Glu130Gly; replaces glutamic acid 130 with glycine.
Molecular consequence: missense variant.
Genome position (GRCh38, 1-based): chr20:63,445,363, T>C on the plus strand (A>G on the coding strand, the complement: KCNQ2 is on the minus strand). VCF-style: chr20-63445363-T-C. GRCh37 (hg19) VCF-style: chr20-62076716-T-C.
Other names: c.389A>G, p.Glu130Gly (NM_172108.5, NM_172109.3, NM_001382235.1 and 2 more transcripts); short protein forms E130G.
Identifiers: ClinVar variation 3775018 (VCV003775018.1).
Genomic context (GRCh38, chr20:63,445,363, plus strand): 5'-CAGCCTGCGGCCCAGATCCGCACGAAGTACTCCACGCCAAACACCACGATAGTCACGATT[T>C]CCTGCAGGGGAGGAAAGCTGAGGCCACCTTGAGGCCTGGGGGAGGGCCTGGGGGCCCAGC-3'
Protein context (NP_742105.1, residues 120-140): KSSEGALYIL[Glu130Gly]IVTIVVFGVE